The following is an entry in ClinVar:

ClinVar aggregate classification (germline): Likely benign (1 of 4 stars; one submission).

Allele frequency attached by ClinVar (database versions not stated): ExAC 0.00818; ESP Exome Variant Server 0.01392.
gnomAD v4.1: 13,112 of 1,400,808 alleles (0.94%); highest among the groups gnomAD compares: Non-Finnish European, 1%; 342 homozygotes.

Submission:

CeGaT Center for Human Genetics Tuebingen
Classification: Likely benign. Last evaluated: 2024-01-01. Review status: criteria provided, single submitter. Criteria: CeGaT Center For Human Genetics Tuebingen Variant Classification Criteria Version 2. Collection method: clinical testing. Allele origin: germline. Affected: yes. Observed: 2 variant alleles.
Comment: CRIPAK: BP4, BS2

NM_175918.3(CRIPAK):c.826T>C (p.Cys276Arg)

Genes: CRIPAK (cysteine rich PAK1 inhibitor; plus strand), UVSSA (UV stimulated scaffold protein A; plus strand), LOC126806945 (P300/CBP strongly-dependent group 1 enhancer GRCh37_chr4:1388225-1389424; plus strand). Cytogenetic location: 4p16.3.
Variant type: single nucleotide variant.
Coding change: c.826T>C on transcript NM_175918.3; coding-DNA position 826, T replaced by C.
Protein change: p.Cys276Arg; replaces cysteine 276 with arginine.
Molecular consequence: missense variant.
Genome position (GRCh38, 1-based): chr4:1,395,337, T>C. VCF-style: chr4-1395337-T-C. GRCh37 (hg19) VCF-style: chr4-1389125-T-C.
Other names: short protein forms C276R.
Identifiers: ClinVar variation 2654574 (VCV002654574.24), dbSNP rs146490783, ClinGen allele CA2807205.